The following is an entry in ClinVar:

NM_001130009.3(GEN1):c.1130T>C (p.Val377Ala)

Gene: GEN1 (GEN1 Holliday junction 5' flap endonuclease; plus strand). Cytogenetic location: 2p24.2.
Variant type: single nucleotide variant.
Coding change: c.1130T>C on transcript NM_001130009.3 (MANE Select); coding-DNA position 1130, T replaced by C.
Protein change: p.Val377Ala; replaces valine 377 with alanine.
Molecular consequence: missense variant.
Genome position (GRCh38, 1-based): chr2:17,774,329, T>C. VCF-style: chr2-17774329-T-C. GRCh37 (hg19) VCF-style: chr2-17955596-T-C.
Other names: c.1130T>C, p.Val377Ala (NM_182625.5); short protein forms V377A.
Identifiers: ClinVar variation 4029302 (VCV004029302.1).

ClinVar aggregate classification (germline): Uncertain significance (1 of 4 stars; one submission).

Submission:

Ambry Genetics
Classification: Uncertain significance. Last evaluated: 2025-05-17. Review status: criteria provided, single submitter. Criteria: Ambry Variant Classification Scheme 2023. Collection method: clinical testing. Allele origin: germline.
Comment: The p.V377A variant (also known as c.1130T>C), located in coding exon 10 of the GEN1 gene, results from a T to C substitution at nucleotide position 1130. The valine at codon 377 is replaced by alanine, an amino acid with similar properties. This amino acid position is conserved. In addition, this alteration is predicted to be tolerated by in silico analysis. Based on the available evidence, the clinical significance of this variant remains unclear.